The following is an entry in ClinVar:

ClinVar aggregate classification (germline): Uncertain significance. Review status: criteria provided, multiple submitters, no conflicts (2 of 4 stars). 2 submissions from 2 submitters: Uncertain significance (2). Last evaluated 2024-11-18.

Conditions:
Inborn genetic diseases. Identifiers: MedGen C0950123, MeSH D030342.

Allele frequency attached by ClinVar (database versions not stated): TOPMed 0.00001; gnomAD 0.00003; ExAC 0.00005; 1000 Genomes Project 0.00040; 1000 Genomes Project 30x 0.00047.
gnomAD v4.1: 64 of 1,613,788 alleles (0.004%); highest among the groups gnomAD compares: South Asian, 0.033%; no homozygotes.

Submissions (2):

Labcorp Genetics (formerly Invitae), Labcorp
Classification: Uncertain significance. Last evaluated: 2024-11-18. Review status: criteria provided, single submitter. Criteria: Invitae Variant Classification Sherloc (09022015). Collection method: clinical testing. Allele origin: germline.
Comment: This sequence change replaces lysine, which is basic and polar, with arginine, which is basic and polar, at codon 320 of the DCN protein (p.Lys320Arg). This variant is present in population databases (rs536127757, gnomAD 0.03%). This variant has not been reported in the literature in individuals affected with DCN-related conditions. ClinVar contains an entry for this variant (Variation ID: 2908085). An algorithm developed to predict the effect of missense changes on protein structure and function outputs the following: PolyPhen-2: "Benign". The arginine amino acid residue is found in multiple mammalian species, which suggests that this missense change does not adversely affect protein function. In summary, the available evidence is currently insufficient to determine the role of this variant in disease. Therefore, it has been classified as a Variant of Uncertain Significance.

Ambry Genetics
Classification: Uncertain significance for Inborn genetic diseases. Last evaluated: 2023-11-13. Review status: criteria provided, single submitter. Criteria: Ambry Variant Classification Scheme 2023. Collection method: clinical testing. Allele origin: germline.

NM_001920.5(DCN):c.959A>G (p.Lys320Arg)

Gene: DCN (decorin; minus strand). Cytogenetic location: 12q21.33.
Variant type: single nucleotide variant.
Coding change: c.959A>G on transcript NM_001920.5 (MANE Select); coding-DNA position 959, A replaced by G.
Protein change: p.Lys320Arg; replaces lysine 320 with arginine.
Molecular consequence: missense variant. On other transcripts: 3 prime UTR variant (1).
Genome position (GRCh38, 1-based): chr12:91,146,179, T>C on the plus strand (A>G on the coding strand, the complement: DCN is on the minus strand). VCF-style: chr12-91146179-T-C. GRCh37 (hg19) VCF-style: chr12-91539956-T-C.
Other names: c.959A>G, p.Lys320Arg (NM_133503.4); c.632A>G, p.Lys211Arg (NM_133504.3); c.518A>G, p.Lys173Arg (NM_133505.3); c.398A>G, p.Lys133Arg (NM_133506.3); c.*57A>G (NM_133507.3); c.959A>G (NM_001920.3); short protein forms K211R, K133R, K173R, K320R.
Identifiers: ClinVar variation 2908085 (VCV002908085.4), dbSNP rs536127757, ClinGen allele CA6716891.